The following is an entry in ClinVar:

NM_006904.7(PRKDC):c.2997G>C (p.Lys999Asn)

Gene: PRKDC (protein kinase, DNA-activated, catalytic subunit; minus strand). Cytogenetic location: 8q11.21.
Variant type: single nucleotide variant.
Coding change: c.2997G>C on transcript NM_006904.7 (MANE Select); coding-DNA position 2997, G replaced by C.
Protein change: p.Lys999Asn; replaces lysine 999 with asparagine.
Molecular consequence: missense variant.
Genome position (GRCh38, 1-based): chr8:47,904,914, C>G on the plus strand (G>C on the coding strand, the complement: PRKDC is on the minus strand). VCF-style: chr8-47904914-C-G. GRCh37 (hg19) VCF-style: chr8-48817474-C-G.
Other names: c.2997G>C, p.Lys999Asn (NM_001081640.2); short protein forms K999N.
Identifiers: ClinVar variation 2257116 (VCV002257116.2), dbSNP rs1161182893, ClinGen allele CA371157383.

ClinVar aggregate classification (germline): Uncertain significance (1 of 4 stars; one submission).

Allele frequency attached by ClinVar (database versions not stated): gnomAD exomes below 0.00001; TOPMed below 0.00001.
gnomAD v4.1: 2 of 1,613,700 alleles (0.00012%); highest among the groups gnomAD compares: Non-Finnish European, 0.00017%; no homozygotes.

Submission:

Ambry Genetics
Classification: Uncertain significance. Last evaluated: 2023-01-22. Review status: criteria provided, single submitter. Criteria: Ambry Variant Classification Scheme 2023. Collection method: clinical testing. Allele origin: germline.
Comment: The p.K999N variant (also known as c.2997G>C), located in coding exon 26 of the PRKDC gene, results from a G to C substitution at nucleotide position 2997. The lysine at codon 999 is replaced by asparagine, an amino acid with similar properties. This amino acid position is conserved. In addition, this alteration is predicted to be tolerated by in silico analysis. Since supporting evidence is limited at this time, the clinical significance of this alteration remains unclear.